The following is an entry in ClinVar:

ClinVar aggregate classification (germline): Uncertain significance (1 of 4 stars; one submission).

Conditions:
Baller-Gerold syndrome (BGS). Also called: CRANIOSYNOSTOSIS WITH RADIAL DEFECTS. Identifiers: Orphanet 1225, MedGen C0265308, MONDO:0009039, OMIM 218600.

Submission:

Labcorp Genetics (formerly Invitae), Labcorp
Classification: Uncertain significance for Baller-Gerold syndrome. Last evaluated: 2021-09-24. Review status: criteria provided, single submitter. Criteria: Invitae Variant Classification Sherloc (09022015). Collection method: clinical testing. Allele origin: germline.
Comment: This variant has not been reported in the literature in individuals affected with RECQL4-related conditions. This variant is not present in population databases (ExAC no frequency). This sequence change replaces leucine with valine at codon 1010 of the RECQL4 protein (p.Leu1010Val). The leucine residue is highly conserved and there is a small physicochemical difference between leucine and valine. Experimental studies and prediction algorithms are not available or were not evaluated, and the functional significance of this variant is currently unknown. In summary, the available evidence is currently insufficient to determine the role of this variant in disease. Therefore, it has been classified as a Variant of Uncertain Significance.

NM_004260.4(RECQL4):c.3028C>G (p.Leu1010Val)

Gene: RECQL4 (RecQ like helicase 4; minus strand). Cytogenetic location: 8q24.3.
Variant type: single nucleotide variant.
Coding change: c.3028C>G on transcript NM_004260.4 (MANE Select); coding-DNA position 3028, C replaced by G.
Protein change: p.Leu1010Val; replaces leucine 1010 with valine.
Molecular consequence: missense variant.
Genome position (GRCh38, 1-based): chr8:144,512,419, G>C on the plus strand (C>G on the coding strand, the complement: RECQL4 is on the minus strand). VCF-style: chr8-144512419-G-C. GRCh37 (hg19) VCF-style: chr8-145737802-G-C.
Other names: short protein forms L1010V.
Identifiers: ClinVar variation 1382906 (VCV001382906.6), dbSNP rs1373023053, ClinGen allele CA372671300.